The following is an entry in ClinVar:

NM_001987.5(ETV6):c.1106G>A (p.Arg369Gln)

Genes: ETV6 (ETS variant transcription factor 6; plus strand), LOC126861452 (CDK7 strongly-dependent group 2 enhancer GRCh37_chr12:12037195-12038394; plus strand). Cytogenetic location: 12p13.2.
Variant type: single nucleotide variant.
Coding change: c.1106G>A on transcript NM_001987.5 (MANE Select); coding-DNA position 1106, G replaced by A.
Protein change: p.Arg369Gln; replaces arginine 369 with glutamine.
Molecular consequence: missense variant.
Genome position (GRCh38, 1-based): chr12:11,884,541, G>A. VCF-style: chr12-11884541-G-A. GRCh37 (hg19) VCF-style: chr12-12037475-G-A.
Other names: R369Q.
Identifiers: ClinVar variation 162221 (VCV000162221.13), dbSNP rs724159946, ClinGen allele CA175028.

ClinVar aggregate classification (germline): Pathogenic/Likely pathogenic. Review status: criteria provided, multiple submitters, no conflicts (2 of 4 stars). 7 submissions from 7 submitters: Pathogenic (4); Likely pathogenic (1). 2 of the submissions do not count toward it. Last evaluated 2025-09-09.
ClinVar aggregate classification (oncogenicity): Likely oncogenic (1 of 4 stars; one submission).

Conditions:
Inborn genetic diseases. Identifiers: MedGen C0950123, MeSH D030342.
ETV6-related disorder. Also called: ETV6-related condition.
Thrombocytopenia 5 (THC5). Also called: THROMBOCYTOPENIA 5 WITH INCREASED SUSCEPTIBILITY TO MALIGNANCY; THROMBOCYTOPENIA, AUTOSOMAL DOMINANT, 5. Identifiers: MedGen C4015537, MONDO:0014536, OMIM 616216.
Thrombocytopenia. Identifiers: MedGen C0040034, MeSH D013921, MONDO:0002049, HP:0001873.
Hematologic neoplasm. Also called: Hematologic cancer; Hematological neoplasm. Identifiers: MedGen C0376545, MeSH D019337, HP:0004377.
Neoplasm. Also called: tumor; Neoplasms; Neoplasm (disease). Identifiers: MedGen C0027651, MeSH D009369, MONDO:0005070, HP:0002664.

Allele frequency attached by ClinVar (database versions not stated): gnomAD 0.00001; gnomAD exomes below 0.00001.
gnomAD v4.1: 3 of 1,614,042 alleles (0.00019%); highest among the groups gnomAD compares: African/African-American, 0.0013%; no homozygotes.

Submissions (8):

Labcorp Genetics (formerly Invitae), Labcorp
Classification: Pathogenic. Last evaluated: 2025-09-09. Review status: criteria provided, single submitter. Criteria: Invitae Variant Classification Sherloc (09022015). Collection method: clinical testing. Allele origin: germline.
Comment: This sequence change replaces arginine, which is basic and polar, with glutamine, which is neutral and polar, at codon 369 of the ETV6 protein (p.Arg369Gln). This variant is not present in population databases (gnomAD no frequency). This missense change has been observed in individual(s) with ETV6-related thrombocytopenia (PMID: 25581430). It has also been observed to segregate with disease in related individuals. ClinVar contains an entry for this variant (Variation ID: 162221). Invitae Evidence Modeling of protein sequence and biophysical properties (such as structural, functional, and spatial information, amino acid conservation, physicochemical variation, residue mobility, and thermodynamic stability) indicates that this missense variant is expected to disrupt ETV6 protein function with a positive predictive value of 80%. Experimental studies have shown that this missense change affects ETV6 function (PMID: 25581430). This variant disrupts the p.Arg369 amino acid residue in ETV6. Other variant(s) that disrupt this residue have been determined to be pathogenic (PMID: 26522332, 27365488, 31064749). This suggests that this residue is clinically significant, and that variants that disrupt this residue are likely to be disease-causing. For these reasons, this variant has been classified as Pathogenic.

Center for Genomic Medicine, Rigshospitalet, Copenhagen University Hospital
Classification: Likely oncogenic for Neoplasm. Last evaluated: 2025-03-04. Review status: criteria provided, single submitter. Criteria: ClinGen/CGC/VICC Guidelines for Oncogenicity, 2022. Collection method: clinical testing. Allele origin: somatic. Affected: yes.

Ambry Genetics
Classification: Likely pathogenic for Inborn genetic diseases. Last evaluated: 2025-02-24. Review status: criteria provided, single submitter. Criteria: Ambry Variant Classification Scheme 2023. Collection method: clinical testing. Allele origin: germline.
Comment: The p.R369Q variant (also known as c.1106G>A), located in coding exon 6 of the ETV6 gene, results from a G to A substitution at nucleotide position 1106. The arginine at codon 369 is replaced by glutamine, an amino acid with highly similar properties. This amino acid position is highly conserved in available vertebrate species. This alteration has been reported in multiple individuals with a personal and/or family history that is consistent with ETV6-related disease (Drazer MW et al. Blood Adv 2022 Aug;6(15):4357-4359; Moriyama T et al. Lancet Oncol 2015 Dec;16(16):1659-66; Lein&oslash;e E et al. Br J Haematol 2019 Jul;186(2):373-376). Multiple functional studies have demonstrated that this alteration impacts the ability of ETV6 to bind DNA and repress target gene function (Fisher MH et al. JCI Insight 2020 Sep;5(18); Topka S et al. PLoS Genet 2015 Jun;11(6):e1005262; Nishii R et al. Blood 2021 Jan;137(3):364-373). Based on the majority of available evidence to date, this variant is likely to be pathogenic.

Women's Health and Genetics/Laboratory Corporation of America, LabCorp
Classification: Pathogenic for Thrombocytopenia 5. Last evaluated: 2024-03-21. Review status: criteria provided, single submitter. Criteria: LabCorp Variant Classification Summary - May 2015. Collection method: clinical testing. Allele origin: germline.
Comment: Variant summary: ETV6 c.1106G>A (p.Arg369Gln) results in a conservative amino acid change located in the ETS domain (IPR000418) of the encoded protein sequence. Three of five in-silico tools predict a damaging effect of the variant on protein function. The variant was absent in 251442 control chromosomes. c.1106G>A has been reported in the literature in multiple heterozygous individuals affected with Thrombocytopenia, showing evidence of familial segregation with disease (e.g. Zhang_2015). These data indicate that the variant is very likely to be associated with disease. At least one publication reports experimental evidence evaluating an impact on protein function, showing the variant is associated with abrogated DNA binding, altered subcellular localization, decreased transcriptional repression in a dominant-negative fashion and impaired hematopoiesis (e.g. Zhang_2015). The following publication has been ascertained in the context of this evaluation (PMID: 25581430). ClinVar contains an entry for this variant (Variation ID: 162221). Based on the evidence outlined above, the variant was classified as pathogenic.

GeneDx
Classification: Pathogenic. Last evaluated: 2023-04-04. Review status: criteria provided, single submitter. Criteria: GeneDx Variant Classification Process June 2021. Collection method: clinical testing. Allele origin: germline. Affected: yes.
Comment: Published functional studies demonstrate a damaging effect: negative effect on binding, altered subcellular localization, decreased transcriptional repression in a dominant-negative fashion, and impaired hematopoiesis (Zhang et al., 2015; Topka et al., 2015); Not observed at significant frequency in large population cohorts (gnomAD); In silico analysis supports that this missense variant has a deleterious effect on protein structure/function; This variant is associated with the following publications: (PMID: 27663637, 26102509, 25581430, 26522332, 28555414, 29034503, 27365488, 28637624, 32841218)

PreventionGenetics, part of Exact Sciences
Classification: Pathogenic for ETV6-related condition. Last evaluated: 2022-12-05. Review status: criteria provided, single submitter. Criteria: ACMG Guidelines, 2015. Collection method: clinical testing. Allele origin: germline.
Comment: The ETV6 c.1106G>A variant is predicted to result in the amino acid substitution p.Arg369Gln. This variant has been reported in individuals with Thrombocytopenia and/or hematologic malignancy (Zhang et al. 2015. PubMed ID: 25581430; Moriyama et al. 2015. PubMed ID: 26522332; Drazer et al. 2022. PubMed ID: 35537115). Functional study showed this variant abrogated DNA binding, alter subcellular localization, decrease transcriptional repression in a dominant-negative fashion and impair hematopoiesis (Zhang et al. 2015. PubMed ID: 25581430). This variant has not been reported in a large population database, indicating this variant is rare. This variant is interpreted likely pathogenic.

OMIM
Classification: Pathogenic for THROMBOCYTOPENIA 5. Last evaluated: 2015-02-01. Review status: no assertion criteria provided. Collection method: literature only. Allele origin: germline. Not counted in ClinVar's aggregate classification.

Akiko Shimamura Lab, Fred Hutchinson Cancer Research Center
Classification: Pathogenic for thrombocytopenia; hematologic malignancy. Last evaluated: 2014-11-30. Review status: no assertion criteria provided. Collection method: research. Allele origin: germline. Affected: yes. Observed: 6 variant alleles. Not counted in ClinVar's aggregate classification.

Literature cited by the submitters: PubMed 25581430 (cited by 5 submitters); PubMed 26522332 (cited by Labcorp Genetics (formerly Invitae), Labcorp and Women's Health and Genetics/Laboratory Corporation of America, LabCorp); PubMed 27365488 (cited by Labcorp Genetics (formerly Invitae), Labcorp); PubMed 31064749 (cited by Labcorp Genetics (formerly Invitae), Labcorp); PubMed 21680795 (cited by Women's Health and Genetics/Laboratory Corporation of America, LabCorp); PubMed 21714648 (cited by Women's Health and Genetics/Laboratory Corporation of America, LabCorp); PubMed 15806161 (cited by Women's Health and Genetics/Laboratory Corporation of America, LabCorp); PubMed 24904105 (cited by Women's Health and Genetics/Laboratory Corporation of America, LabCorp); PubMed 18305557 (cited by Women's Health and Genetics/Laboratory Corporation of America, LabCorp); PubMed 26102509 (cited by Women's Health and Genetics/Laboratory Corporation of America, LabCorp); PubMed 9694803 (cited by Women's Health and Genetics/Laboratory Corporation of America, LabCorp); PubMed 24997145 (cited by Women's Health and Genetics/Laboratory Corporation of America, LabCorp); PubMed 27895058 (cited by Women's Health and Genetics/Laboratory Corporation of America, LabCorp).